The following is an entry in ClinVar:

NM_000057.4(BLM):c.3491A>G (p.Asn1164Ser)

Gene: BLM (BLM RecQ like helicase; plus strand). Cytogenetic location: 15q26.1.
Variant type: single nucleotide variant.
Coding change: c.3491A>G on transcript NM_000057.4 (MANE Select); coding-DNA position 3491, A replaced by G.
Protein change: p.Asn1164Ser; replaces asparagine 1164 with serine.
Molecular consequence: missense variant. On other transcripts: intron variant (1).
Genome position (GRCh38, 1-based): chr15:90,803,653, A>G. VCF-style: chr15-90803653-A-G. GRCh37 (hg19) VCF-style: chr15-91346883-A-G.
Other names: c.3491A>G, p.Asn1164Ser (NM_001287246.2); c.2366A>G, p.Asn789Ser (NM_001287248.2); c.3358+5316A>G (NM_001287247.2); short protein forms N789S, N1164S.
Identifiers: ClinVar variation 1408472 (VCV001408472.9), dbSNP rs751855048, ClinGen allele CA7739039.
Genomic context (GRCh38, chr15:90,803,653, plus strand): 5'-GACTTTTTAAAAAGCTGATACTTGACAAGATTTTGGATGAAGACTTATATATCAATGCCA[A>G]TGACCAGGCGATCGCTTATGTGATGCTCGGAAATAAAGCCCAAACTGTACTAAATGGCAA-3'
Protein context (NP_000048.1, residues 1154-1174): ILDEDLYINA[Asn1164Ser]DQAIAYVMLG

ClinVar aggregate classification (germline): Conflicting classifications of pathogenicity. Review status: criteria provided, conflicting classifications (1 of 4 stars). 2 submissions from 2 submitters: Uncertain significance (1); Likely benign (1). Last evaluated 2025-09-10.

Conditions:
Hereditary cancer-predisposing syndrome. Also called: Hereditary Cancer Syndrome; Tumor predisposition; Hereditary neoplastic syndrome; Neoplastic Syndromes, Hereditary. Identifiers: Orphanet 140162, MedGen C0027672, MeSH D009386, MONDO:0015356.
Bloom syndrome (BLM). Also called: Bloom-Torre-Machacek syndrome. Identifiers: Orphanet 125, MedGen C0005859, MONDO:0008876, OMIM 210900.

Allele frequency attached by ClinVar (database versions not stated): gnomAD exomes below 0.00001; TOPMed below 0.00001; ExAC 0.00001; gnomAD 0.00001.
gnomAD v4.1: 5 of 1,614,102 alleles (0.00031%); highest among the groups gnomAD compares: South Asian, 0.0011%; no homozygotes.

Submissions (2):

Labcorp Genetics (formerly Invitae), Labcorp
Classification: Uncertain significance for Bloom syndrome. Last evaluated: 2025-09-10. Review status: criteria provided, single submitter. Criteria: Invitae Variant Classification Sherloc (09022015). Collection method: clinical testing. Allele origin: germline.
Comment: This sequence change replaces asparagine, which is neutral and polar, with serine, which is neutral and polar, at codon 1164 of the BLM protein (p.Asn1164Ser). This variant is present in population databases (rs751855048, gnomAD 0.003%). This variant has not been reported in the literature in individuals affected with BLM-related conditions. ClinVar contains an entry for this variant (Variation ID: 1408472). Invitae Evidence Modeling of protein sequence and biophysical properties (such as structural, functional, and spatial information, amino acid conservation, physicochemical variation, residue mobility, and thermodynamic stability) indicates that this missense variant is not expected to disrupt BLM protein function with a negative predictive value of 80%. RNA analysis performed to evaluate the impact of this missense change on mRNA splicing indicates it does not significantly alter splicing (internal data). In summary, the available evidence is currently insufficient to determine the role of this variant in disease. Therefore, it has been classified as a Variant of Uncertain Significance.

Ambry Genetics
Classification: Likely benign for Hereditary cancer-predisposing syndrome. Last evaluated: 2024-03-14. Review status: criteria provided, single submitter. Criteria: Ambry Variant Classification Scheme 2023. Collection method: clinical testing. Allele origin: germline.